The following is an entry in ClinVar:

ClinVar aggregate classification (germline): Uncertain significance (1 of 4 stars; one submission).

Allele frequency attached by ClinVar (database versions not stated): ExAC 0.00001; gnomAD 0.00001; gnomAD exomes 0.00001 and 0.00002; TOPMed 0.00002.
gnomAD v4.1: 13 of 1,480,444 alleles (0.00088%); highest among the groups gnomAD compares: African/African-American, 0.0014%; no homozygotes.

Submission:

Labcorp Genetics (formerly Invitae), Labcorp
Classification: Uncertain significance. Last evaluated: 2024-05-15. Review status: criteria provided, single submitter. Criteria: Invitae Variant Classification Sherloc (09022015). Collection method: clinical testing. Allele origin: germline.
Comment: This sequence change replaces asparagine, which is neutral and polar, with serine, which is neutral and polar, at codon 838 of the CCDC88A protein (p.Asn838Ser). This variant is present in population databases (rs772608003, gnomAD 0.002%). This variant has not been reported in the literature in individuals affected with CCDC88A-related conditions. ClinVar contains an entry for this variant (Variation ID: 1366014). An algorithm developed to predict the effect of missense changes on protein structure and function (PolyPhen-2) suggests that this variant is likely to be disruptive. In summary, the available evidence is currently insufficient to determine the role of this variant in disease. Therefore, it has been classified as a Variant of Uncertain Significance.

NM_001365480.1(CCDC88A):c.2513A>G (p.Asn838Ser)

Gene: CCDC88A (coiled-coil domain containing 88A; minus strand). Cytogenetic location: 2p16.1.
Variant type: single nucleotide variant.
Coding change: c.2513A>G on transcript NM_001365480.1 (MANE Select); coding-DNA position 2513, A replaced by G.
Protein change: p.Asn838Ser; replaces asparagine 838 with serine.
Molecular consequence: missense variant.
Genome position (GRCh38, 1-based): chr2:55,334,308, T>C on the plus strand (A>G on the coding strand, the complement: CCDC88A is on the minus strand). VCF-style: chr2-55334308-T-C. GRCh37 (hg19) VCF-style: chr2-55561444-T-C.
Other names: c.2513A>G, p.Asn838Ser (NM_001135597.2, NM_001254943.2, NM_018084.5); short protein forms N838S.
Identifiers: ClinVar variation 1366014 (VCV001366014.5), dbSNP rs772608003, ClinGen allele CA1665973.